The following is an entry in ClinVar:

NM_001101426.4(CRPPA):c.1350A>G (p.Ile450Met)

Gene: CRPPA (CDP-L-ribitol pyrophosphorylase A; minus strand). Cytogenetic location: 7p21.2.
Variant type: single nucleotide variant.
Coding change: c.1350A>G on transcript NM_001101426.4 (MANE Select); coding-DNA position 1350, A replaced by G.
Protein change: p.Ile450Met; replaces isoleucine 450 with methionine.
Molecular consequence: missense variant. On other transcripts: non-coding transcript variant (1).
Genome position (GRCh38, 1-based): chr7:16,091,701, T>C on the plus strand (A>G on the coding strand, the complement: CRPPA is on the minus strand). VCF-style: chr7-16091701-T-C. GRCh37 (hg19) VCF-style: chr7-16131326-T-C.
Other names: c.1200A>G, p.Ile400Met (NM_001101417.4); c.1245A>G, p.Ile415Met (NM_001368197.1); short protein forms I450M, I415M, I400M.
Identifiers: ClinVar variation 853106 (VCV000853106.10), dbSNP rs1781841345, ClinGen allele CA367000238.
Genomic context (GRCh38, chr7:16,091,701, plus strand): 5'-ACAATTAAGATACGCAAATAGATGTTTTAGAAAATAGGTAATTTTTTGTGTTCTTCATGC[T>C]ATCAGAAGCTGACCAATGAGTCCAGAATTTCTTTCCTTGATTAATGAAGCAATAATGATA-3'
Protein context (NP_001094896.1, residues 440-451): RNSGLIGQLL[Ile450Met]A

ClinVar aggregate classification (germline): Uncertain significance (1 of 4 stars; one submission).

Conditions:
Muscular dystrophy-dystroglycanopathy (congenital with brain and eye anomalies), type A, 7. Also called: Congenital muscular dystrophy-dystroglycanopathy with brain and eye anomalies, type A7; WALKER-WARBURG SYNDROME OR MUSCLE-EYE-BRAIN DISEASE, ISPD-RELATED. Identifiers: Orphanet 899, MedGen C3553330, MONDO:0013835, OMIM 614643.
Autosomal recessive limb-girdle muscular dystrophy type 2U. Also called: MUSCULAR DYSTROPHY, LIMB-GIRDLE, TYPE 2U; Muscular dystrophy-dystroglycanopathy (limb-girdle), type c, 7. Identifiers: Orphanet 352479, MedGen C5190987, MONDO:0014474, OMIM 616052.

Allele frequency attached by ClinVar (database versions not stated): gnomAD exomes below 0.00001.
gnomAD v4.1: 2 of 1,533,712 alleles (0.00013%); highest among the groups gnomAD compares: Non-Finnish European, 0.00018%; no homozygotes.

Submission:

Labcorp Genetics (formerly Invitae), Labcorp
Classification: Uncertain significance for Muscular dystrophy-dystroglycanopathy (congenital with brain and eye anomalies), type A, 7; Autosomal recessive limb-girdle muscular dystrophy type 2U. Last evaluated: 2022-11-14. Review status: criteria provided, single submitter. Criteria: Invitae Variant Classification Sherloc (09022015). Collection method: clinical testing. Allele origin: germline.
Comment: This variant has not been reported in the literature in individuals affected with ISPD-related conditions. This variant is not present in population databases (gnomAD no frequency). ClinVar contains an entry for this variant (Variation ID: 853106). Algorithms developed to predict the effect of missense changes on protein structure and function (SIFT, PolyPhen-2, Align-GVGD) all suggest that this variant is likely to be tolerated. In summary, the available evidence is currently insufficient to determine the role of this variant in disease. Therefore, it has been classified as a Variant of Uncertain Significance. This sequence change replaces isoleucine, which is neutral and non-polar, with methionine, which is neutral and non-polar, at codon 450 of the ISPD protein (p.Ile450Met).